The following is an entry in ClinVar:

NM_001330691.3(CEP78):c.988G>A (p.Glu330Lys)

Gene: CEP78 (centrosomal protein 78; plus strand). Cytogenetic location: 9q21.2.
Variant type: single nucleotide variant.
Coding change: c.988G>A on transcript NM_001330691.3 (MANE Select); coding-DNA position 988, G replaced by A.
Protein change: p.Glu330Lys; replaces glutamic acid 330 with lysine.
Molecular consequence: missense variant.
Genome position (GRCh38, 1-based): chr9:78,248,792, G>A. VCF-style: chr9-78248792-G-A. GRCh37 (hg19) VCF-style: chr9-80863708-G-A.
Other names: c.988G>A, p.Glu330Lys (NM_001098802.3, NM_001330693.3, NM_001330694.2 and 4 more transcripts); short protein forms E330K.
Identifiers: ClinVar variation 1042885 (VCV001042885.7), dbSNP rs774484350, ClinGen allele CA5095111.

ClinVar aggregate classification (germline): Uncertain significance. Review status: criteria provided, multiple submitters, no conflicts (2 of 4 stars). 2 submissions from 2 submitters: Uncertain significance (2). Last evaluated 2021-11-28.

Allele frequency attached by ClinVar (database versions not stated): ExAC 0.00002; gnomAD exomes 0.00002 and 0.00005; TOPMed 0.00002; gnomAD 0.00003.
gnomAD v4.1: 69 of 1,594,014 alleles (0.0043%); highest among the groups gnomAD compares: Non-Finnish European, 0.0056%; no homozygotes.

Submissions (2):

Labcorp Genetics (formerly Invitae), Labcorp
Classification: Uncertain significance. Last evaluated: 2021-11-28. Review status: criteria provided, single submitter. Criteria: Invitae Variant Classification Sherloc (09022015). Collection method: clinical testing. Allele origin: germline.
Comment: In summary, the available evidence is currently insufficient to determine the role of this variant in disease. Therefore, it has been classified as a Variant of Uncertain Significance. Algorithms developed to predict the effect of missense changes on protein structure and function are either unavailable or do not agree on the potential impact of this missense change (SIFT: "Tolerated"; PolyPhen-2: "Probably Damaging"; Align-GVGD: "Class C0"). ClinVar contains an entry for this variant (Variation ID: 1042885). This variant has not been reported in the literature in individuals affected with CEP78-related conditions. This variant is present in population databases (rs774484350, gnomAD 0.004%). This sequence change replaces glutamic acid, which is acidic and polar, with lysine, which is basic and polar, at codon 330 of the CEP78 protein (p.Glu330Lys).

Blueprint Genetics
Classification: Uncertain significance. Last evaluated: 2019-12-23. Review status: criteria provided, single submitter. Criteria: ACMG Guidelines, 2015. Collection method: clinical testing. Allele origin: germline.